The following is an entry in ClinVar:

NM_031889.3(ENAM):c.234T>C (p.Phe78=)

Gene: ENAM (enamelin; plus strand). Cytogenetic location: 4q13.3.
Variant type: single nucleotide variant.
Coding change: c.234T>C on transcript NM_031889.3 (MANE Select); coding-DNA position 234, T replaced by C.
Protein change: p.Phe78=; no amino-acid change (phenylalanine 78 retained).
Molecular consequence: synonymous variant.
Genome position (GRCh38, 1-based): chr4:70,634,331, T>C. VCF-style: chr4-70634331-T-C. GRCh37 (hg19) VCF-style: chr4-71500048-T-C.
Identifiers: ClinVar variation 3058802 (VCV003058802.2), dbSNP rs34251790, ClinGen allele CA2951831.

ClinVar aggregate classification (germline): Likely benign (0 of 4 stars; one submission).

Conditions:
ENAM-related disorder. Also called: ENAM-related condition.

Allele frequency attached by ClinVar (database versions not stated): ExAC 0.00047; gnomAD 0.00147; ESP Exome Variant Server 0.00154; 1000 Genomes Project 30x 0.00156; TOPMed 0.00159; 1000 Genomes Project 0.00160.
gnomAD v4.1: 430 of 1,614,150 alleles (0.027%); highest among the groups gnomAD compares: African/African-American, 0.56%; 2 homozygotes.

Submission:

PreventionGenetics, part of Exact Sciences
Classification: Likely benign for ENAM-related condition. Last evaluated: 2019-03-29. Review status: no assertion criteria provided. Collection method: clinical testing. Allele origin: germline.
Comment: This variant is classified as likely benign based on ACMG/AMP sequence variant interpretation guidelines (Richards et al. 2015 PMID: 25741868, with internal and published modifications).